The following is an entry in ClinVar:

ClinVar aggregate classification (germline): Uncertain significance (1 of 4 stars; one submission).

gnomAD v4.1: 1 of 1,605,234 alleles (0.000062%); highest among the groups gnomAD compares: South Asian, 0.0011%; no homozygotes.

Submission:

GeneDx
Classification: Uncertain significance. Last evaluated: 2024-12-12. Review status: criteria provided, single submitter. Criteria: GeneDx Variant Classification Process June 2021. Collection method: clinical testing. Allele origin: germline. Affected: yes.
Comment: Not observed at significant frequency in large population cohorts (gnomAD); In silico analysis supports that this missense variant has a deleterious effect on protein structure/function; This variant is associated with the following publications: (PMID: 35982159, 33057194)

NM_005585.5(SMAD6):c.1408A>G (p.Lys470Glu)

Gene: SMAD6 (SMAD family member 6; plus strand). Cytogenetic location: 15q22.31.
Variant type: single nucleotide variant.
Coding change: c.1408A>G on transcript NM_005585.5 (MANE Select); coding-DNA position 1408, A replaced by G.
Protein change: p.Lys470Glu; replaces lysine 470 with glutamic acid.
Molecular consequence: missense variant. On other transcripts: non-coding transcript variant (1).
Genome position (GRCh38, 1-based): chr15:66,781,452, A>G. VCF-style: chr15-66781452-A-G. GRCh37 (hg19) VCF-style: chr15-67073790-A-G.
Other names: short protein forms K470E.
Identifiers: ClinVar variation 3903279 (VCV003903279.1).
Genomic context (GRCh38, chr15:66,781,452, plus strand): 5'-CCCGAGCCCGACGCCGCCGACGGCCCCTACGACCCCAACAGCGTCCGCATCAGCTTCGCC[A>G]AGGGCTGGGGGCCCTGCTACTCCCGGCAGTTCATCACCTCCTGCCCCTGCTGGCTGGAGA-3'
Protein context (NP_005576.3, residues 460-480): DPNSVRISFA[Lys470Glu]GWGPCYSRQF